The following is an entry in ClinVar:

NM_000168.6(GLI3):c.368-19G>A

Gene: GLI3 (GLI family zinc finger 3; minus strand). Cytogenetic location: 7p14.1.
Variant type: single nucleotide variant.
Coding change: c.368-19G>A on transcript NM_000168.6 (MANE Select); 19 bases into the intron before coding-DNA position 368, G replaced by A.
Molecular consequence: intron variant.
Genome position (GRCh38, 1-based): chr7:42,076,876, C>T on the plus strand (G>A on the coding strand, the complement: GLI3 is on the minus strand). VCF-style: chr7-42076876-C-T. GRCh37 (hg19) VCF-style: chr7-42116475-C-T.
Identifiers: ClinVar variation 137484 (VCV000137484.12), dbSNP rs79879393, ClinGen allele CA291093.
Genomic context (GRCh38, chr7:42,076,876, plus strand): 5'-TTGGTACAGGAGGATGGAAGGCAGGGAAAAGATGAGGAGGGTCTGAAAAGAAGAGAGAGC[C>T]CAATCTATATCAAATGAACACTTTCAAACAGCATTCCGATTCACAAAGCAACATTGCTAT-3'

ClinVar aggregate classification (germline): Benign/Likely benign. Review status: criteria provided, multiple submitters, no conflicts (2 of 4 stars). 6 submissions from 6 submitters: Benign (3); Likely benign (3). Last evaluated 2026-02-03.

Conditions:
Greig cephalopolysyndactyly syndrome (GCPS). Also called: Greig syndrome; POLYSYNDACTYLY WITH PECULIAR SKULL SHAPE; GLI3-Related Greig Cephalopolysyndactyly Syndrome. Identifiers: Orphanet 380, MedGen C0265306, MONDO:0008287, OMIM 175700.
Polysyndactyly 4. Also called: Polysyndactyly uncomplicated; Preaxial polydactyly 4. Identifiers: Orphanet 93338, MedGen C1868111, MONDO:0008272, OMIM 174700.
Pallister-Hall syndrome (PHS). Also called: HYPOTHALAMIC HAMARTOBLASTOMA, HYPOPITUITARISM, IMPERFORATE ANUS, AND POSTAXIAL POLYDACTYLY; GLI3-Related Pallister-Hall Syndrome. Identifiers: Orphanet 672, MedGen C0265220, MONDO:0007804, OMIM 146510.
Polydactyly, postaxial, type A1. Identifiers: MedGen C4282400, MONDO:0008266, OMIM 174200.

Allele frequency attached by ClinVar (database versions not stated): 1000 Genomes Project 0.00499; 1000 Genomes Project 30x 0.00515; ESP Exome Variant Server 0.00800; gnomAD 0.00843 and 0.00858; TOPMed 0.00857; ExAC 0.00908; gnomAD exomes 0.00956 and 0.01050.
gnomAD v4.1: 14,597 of 1,417,012 alleles (1%); highest among the groups gnomAD compares: Non-Finnish European, 1.1%; 103 homozygotes.

Submissions (6):

Labcorp Genetics (formerly Invitae), Labcorp
Classification: Benign for Pallister-Hall syndrome; Greig cephalopolysyndactyly syndrome. Last evaluated: 2026-02-03. Review status: criteria provided, single submitter. Criteria: Invitae Variant Classification Sherloc (09022015). Collection method: clinical testing. Allele origin: germline.

Genomic Medicine Center of Excellence, King Faisal Specialist Hospital and Research Centre
Classification: Likely benign. Last evaluated: 2025-08-18. Review status: criteria provided, single submitter. Criteria: ACMG Guidelines, 2015. Collection method: clinical testing. Allele origin: germline.

Blueprint Genetics
Classification: Likely benign. Last evaluated: 2024-11-27. Review status: criteria provided, single submitter. Criteria: ACMG Guidelines, 2015. Collection method: clinical testing. Allele origin: germline.

Fulgent Genetics
Classification: Likely benign for Pallister-Hall syndrome; Polydactyly, postaxial, type A1; Polysyndactyly 4; Greig cephalopolysyndactyly syndrome. Last evaluated: 2021-10-05. Review status: criteria provided, single submitter. Criteria: ACMG Guidelines, 2015. Collection method: clinical testing. Allele origin: unknown.

GeneDx
Classification: Benign. Last evaluated: 2014-05-14. Review status: criteria provided, single submitter. Criteria: GeneDx Variant Classification (06012015). Collection method: clinical testing. Allele origin: germline. Affected: yes.
Comment: This variant is considered likely benign or benign based on one or more of the following criteria: it is a conservative change, it occurs at a poorly conserved position in the protein, it is predicted to be benign by multiple in silico algorithms, and/or has population frequency not consistent with disease.

PreventionGenetics, part of Exact Sciences
Classification: Benign. Review status: criteria provided, single submitter. Criteria: ACMG Guidelines, 2015. Collection method: clinical testing. Allele origin: germline.